The following is an entry in ClinVar:

NM_018006.5(TRMU):c.1005C>G (p.His335Gln)

Gene: TRMU (tRNA mitochondrial 2-thiouridylase; plus strand). Cytogenetic location: 22q13.31.
Variant type: single nucleotide variant.
Coding change: c.1005C>G on transcript NM_018006.5 (MANE Select); coding-DNA position 1005, C replaced by G.
Protein change: p.His335Gln; replaces histidine 335 with glutamine.
Molecular consequence: missense variant. On other transcripts: non-coding transcript variant (2).
Genome position (GRCh38, 1-based): chr22:46,355,575, C>G. VCF-style: chr22-46355575-C-G. GRCh37 (hg19) VCF-style: chr22-46751472-C-G.
Other names: c.663C>G, p.His221Gln (NM_001282782.2); c.585C>G, p.His195Gln (NM_001282783.2, NM_001282784.2); c.1005C>G, p.His335Gln (NM_001282785.2); short protein forms H195Q, H221Q, H335Q.
Identifiers: ClinVar variation 4853776 (VCV004853776.2).

ClinVar aggregate classification (germline): Uncertain significance. Review status: criteria provided, multiple submitters, no conflicts (2 of 4 stars). 2 submissions from 2 submitters: Uncertain significance (2). Last evaluated 2026-08-10.

Conditions:
Acute infantile liver failure due to synthesis defect of mtDNA-encoded proteins. Also called: Liver failure acute infantile; LIVER FAILURE, INFANTILE, TRANSIENT; TRMU Deficiency. Identifiers: Orphanet 217371, MedGen C3278664, MONDO:0013111, OMIM 613070.

Submissions (2):

Myriad Genetics, Inc.
Classification: Uncertain significance for Acute infantile liver failure due to synthesis defect of mtDNA-encoded proteins. Last evaluated: 2026-08-10. Review status: criteria provided, single submitter. Criteria: Myriad Autosomal Dominant, Autosomal Recessive and X-Linked Classification Criteria (2023). Collection method: clinical testing. Allele origin: unknown.
Comment: NM_018006.4(TRMU):c.1005C>G(H335Q) is a missense variant classified as a variant of uncertain significance in the context of acute liver failure, TRMU-related. H335Q has been observed in a case with relevant disease (PMID: 36305855). Relevant functional assessments of this variant are not available in the literature. H335Q has not been observed in referenced population frequency databases. In summary, there is insufficient evidence to classify NM_018006.4(TRMU):c.1005C>G(H335Q) as pathogenic or benign. Please note: this variant was assessed in the context of healthy population screening.

Women's Health and Genetics/Laboratory Corporation of America, LabCorp
Classification: Uncertain significance. Last evaluated: 2026-05-20. Review status: criteria provided, single submitter. Criteria: LabCorp Variant Classification Summary - May 2015. Collection method: clinical testing. Allele origin: germline.
Comment: Variant summary: TRMU c.1005C>G (p.His335Gln) results in a non-conservative amino acid change in the encoded protein sequence. Algorithms developed to predict the effect of missense changes on protein structure and function all suggest that this variant is likely to be disruptive. The variant was absent in 250250 control chromosomes. c.1005C>G has been observed in the homozygous state in at least 1 individual(s) affected with clinical features of TRMU-related conditions (example, Vogel_2023). These data indicate that the variant may be associated with disease. To our knowledge, no experimental evidence demonstrating an impact on protein function has been reported. No submitters have cited clinical-significance assessments for this variant to ClinVar. Based on the evidence outlined above, the variant was classified as VUS-possibly pathogenic.

Literature cited by the submitters: PubMed 36305855 (cited by Myriad Genetics, Inc. and Women's Health and Genetics/Laboratory Corporation of America, LabCorp).